The following is an entry in ClinVar:

ClinVar aggregate classification (germline): Likely pathogenic (1 of 4 stars; one submission).

Conditions:
Tuberous sclerosis 2 (TSC2). Identifiers: Orphanet 805, MedGen C1860707, MONDO:0013199, OMIM 613254.

Submission:

Division of Genomic Medicine, Department of Advanced Medicine, Medical Research Institute, Kanazawa Medical University
Classification: Likely pathogenic for Tuberous sclerosis 2. Last evaluated: 2022-07-19. Review status: criteria provided, single submitter. Criteria: ACMG Guidelines, 2015. Collection method: clinical testing. Allele origin: germline. Affected: yes. Observed: 1 variant allele.
Comment: According to ACMG GL 2015, this variant located in the GAP domain (PM1), absent from controls (PM2), assumed de novo (PM6), multiple lines of computational evidence support a deleterious effect (PP3).

NM_000548.5(TSC2):c.5165C>A (p.Ala1722Asp)

Gene: TSC2 (TSC complex subunit 2; plus strand). Cytogenetic location: 16p13.3.
Variant type: single nucleotide variant.
Coding change: c.5165C>A on transcript NM_000548.5 (MANE Select); coding-DNA position 5165, C replaced by A.
Protein change: p.Ala1722Asp; replaces alanine 1722 with aspartic acid.
Molecular consequence: missense variant. On other transcripts: intron variant (1).
Genome position (GRCh38, 1-based): chr16:2,088,231, C>A. VCF-style: chr16-2088231-C-A. GRCh37 (hg19) VCF-style: chr16-2138232-C-A.
Other names: c.5033C>A, p.Ala1678Asp (NM_001370404.1); c.5036C>A, p.Ala1679Asp (NM_021055.3); c.5032-8C>A (NM_001370405.1); c.4964C>A, p.Ala1655Asp (NM_001077183.3); c.5096C>A, p.Ala1699Asp (NM_001114382.3); c.4856C>A, p.Ala1619Asp (NM_001318827.2); c.4820C>A, p.Ala1607Asp (NM_001318829.2); c.4433C>A, p.Ala1478Asp (NM_001318831.2); and 2 more; short protein forms A1478D, A1607D, A1619D, A1655D, A1656D, A1666D, A1678D, A1679D.
Identifiers: ClinVar variation 1700570 (VCV001700570.1), dbSNP rs1373235682, ClinGen allele CA394313855.
Genomic context (GRCh38, chr16:2,088,231, plus strand): 5'-TGGGACAGGCCCAGGTGCCACCTGATAGTGAGCTCACCCCCTGCCTACGTCCCCAGATGG[C>A]CTCACAGGTGCATCATAGCCGCTCCAACCCCACCGATATCTACCCCTCCAAGTGGATTGC-3'
Protein context (NP_000539.2, residues 1712-1732): ARQMALHANM[Ala1722Asp]SQVHHSRSNP